The following is an entry in ClinVar:

ClinVar aggregate classification (germline): Uncertain significance (1 of 4 stars; one submission).

Submission:

Labcorp Genetics (formerly Invitae), Labcorp
Classification: Uncertain significance. Last evaluated: 2025-09-11. Review status: criteria provided, single submitter. Criteria: Invitae Variant Classification Sherloc (09022015). Collection method: clinical testing. Allele origin: germline.
Comment: This sequence change replaces glycine, which is neutral and non-polar, with aspartic acid, which is acidic and polar, at codon 122 of the PMP2 protein (p.Gly122Asp). Information on the frequency of this variant in the gnomAD database is not available, as this variant may be reported differently in the database. This variant has not been reported in the literature in individuals affected with PMP2-related conditions. An algorithm developed to predict the effect of missense changes on protein structure and function (PolyPhen-2) suggests that this variant is likely to be tolerated. In summary, the available evidence is currently insufficient to determine the role of this variant in disease. Therefore, it has been classified as a Variant of Uncertain Significance.

NM_002677.5(PMP2):c.365_366delinsAT (p.Gly122Asp)

Gene: PMP2 (peripheral myelin protein 2; minus strand). Cytogenetic location: 8q21.13.
Variant type: Indel.
Coding change: c.365_366delinsAT on transcript NM_002677.5 (MANE Select); coding-DNA positions 365 to 366, GC replaced by AT.
Protein change: p.Gly122Asp; replaces glycine 122 with aspartic acid.
Molecular consequence: missense variant. On other transcripts: 3 prime UTR variant (1).
Genome position (GRCh38, 1-based): chr8:81,443,431-81,443,432, GC replaced by AT on the plus strand (GC replaced by AT on the coding strand, the reverse complement: PMP2 is on the minus strand). VCF-style: chr8-81443431-GC-AT. GRCh37 (hg19) VCF-style: chr8-82355666-GC-AT.
Other names: c.*9_*10delinsAT (NM_001348381.2); short protein forms G122D.
Identifiers: ClinVar variation 4724814 (VCV004724814.1).